The following is an entry in ClinVar:

NM_000512.5(GALNS):c.154_165del (p.Pro52_Glu55del)

Gene: GALNS (galactosamine (N-acetyl)-6-sulfatase; minus strand). Cytogenetic location: 16q24.3.
Variant type: Deletion.
Coding change: c.154_165del on transcript NM_000512.5 (MANE Select); coding-DNA positions 154 to 165, 12 bases deleted (CCCTCCAGAGAG).
Protein change: p.Pro52_Glu55del.
Molecular consequence: inframe deletion. On other transcripts: intron variant (1).
Genome position (GRCh38, 1-based): chr16:88,842,785-88,842,796, CTCTCTGGAGGG deleted on the plus strand (CCCTCCAGAGAG on the coding strand, the reverse complement: GALNS is on the minus strand); deleting any 12 consecutive bases within chr16:88,842,785-88,842,801 gives the same sequence; the c. name uses the placement nearest the transcript's 3' end. VCF-style (leftmost placement, unchanged base first): chr16-88842784-TCTCTCTGGAGGG-T. GRCh37 (hg19) VCF-style: chr16-88909192-TCTCTCTGGAGGG-T.
Other names: c.172_183del, p.Pro58_Glu61del (NM_001323544.2); c.-311-825_-311-814del (NM_001323543.2).
Identifiers: ClinVar variation 1048265 (VCV001048265.3), dbSNP rs2143005515, ClinGen allele CA915940894.

ClinVar aggregate classification (germline): Uncertain significance (1 of 4 stars; one submission).

Conditions:
Mucopolysaccharidosis, MPS-IV-A (MPS4A). Also called: Mucopolysaccharidosis type IV A; Mucopolysaccharidosis Type IVA; Morquio syndrome A, mild; MORQUIO SYNDROME A; MPS IVA; mucopolysaccharidosis type 4A. Identifiers: Orphanet 309297, Orphanet 582, MedGen C0086651, MONDO:0009659, OMIM 253000.

Submission:

Laboratory of Diagnosis and Therapy of Lysosomal Disorders, University of Padova
Classification: Uncertain significance for Mucopolysaccharidosis, MPS-IV-A. Last evaluated: 2021-02-01. Review status: criteria provided, single submitter. Criteria: ACMG Guidelines, 2015. Collection method: curation. Allele origin: germline. Affected: yes.
Comment: Absent from gnomAD v2.1.1 (PM2_moderate); protein length changes as a result of in-frame deletions in a nonrepeat region (PM4_moderate)

Literature cited by the submitters: PubMed 15235041; PubMed 16287098; PubMed 34387910.